The following is an entry in ClinVar:

NM_024753.5(TTC21B):c.2054C>T (p.Pro685Leu)

Gene: TTC21B (tetratricopeptide repeat domain 21B; minus strand). Cytogenetic location: 2q24.3.
Variant type: single nucleotide variant.
Coding change: c.2054C>T on transcript NM_024753.5 (MANE Select); coding-DNA position 2054, C replaced by T.
Protein change: p.Pro685Leu; replaces proline 685 with leucine.
Molecular consequence: missense variant.
Genome position (GRCh38, 1-based): chr2:165,915,285, G>A on the plus strand (C>T on the coding strand, the complement: TTC21B is on the minus strand). VCF-style: chr2-165915285-G-A. GRCh37 (hg19) VCF-style: chr2-166771795-G-A.
Other names: c.2054C>T (NM_024753.4); short protein forms P685L.
Identifiers: ClinVar variation 1364889 (VCV001364889.9), dbSNP rs200930612, ClinGen allele CA1941947.
Genomic context (GRCh38, chr2:165,915,285, plus strand): 5'-TTATCTTTTCTGTGCTTCAGATAAATATCTGCCATTTTTTCTCTGGCCTCTATAAAATAA[G>A]GCTGTTCGGCTGTAACATTCTGAAGGATGCTTAAAGCCCGTTCAATATCTCCTTGGGCTA-3'
Protein context (NP_079029.3, residues 675-695): SILQNVTAEQ[Pro685Leu]YFIEAREKMA

ClinVar aggregate classification (germline): Conflicting classifications of pathogenicity. Review status: criteria provided, conflicting classifications (1 of 4 stars). 2 submissions from 2 submitters: Uncertain significance (1); Likely benign (1). Last evaluated 2026-03-03.

Conditions:
Nephronophthisis. Also called: Juvenile Nephronophthisis. Identifiers: Orphanet 655, MedGen C0687120, MONDO:0019005, HP:0000090.
Jeune thoracic dystrophy. Also called: Jeune syndrome; Infantile thoracic dystrophy; Thoracic pelvic phalangeal dystrophy; Jeune's syndrome; Chondroectodermal dysplasia-like syndrome; Short-rib thoracic dysplasia. Identifiers: Orphanet 474, MedGen C0265275, MONDO:0018770.
TTC21B-related disorder. Also called: TTC21B-related disorders; TTC21B-related condition.

Allele frequency attached by ClinVar (database versions not stated): gnomAD exomes 0.00001 and 0.00004; ExAC 0.00004; gnomAD 0.00006; TOPMed 0.00010; 1000 Genomes Project 30x 0.00016; 1000 Genomes Project 0.00020.
gnomAD v4.1: 25 of 1,613,998 alleles (0.0015%); highest among the groups gnomAD compares: African/African-American, 0.013%; no homozygotes.

Submissions (2):

PreventionGenetics, part of Exact Sciences
Classification: Uncertain significance for TTC21B-related condition. Last evaluated: 2026-03-03. Review status: criteria provided, single submitter. Criteria: ACMG Guidelines, 2015. Collection method: clinical testing. Allele origin: germline.
Comment: The TTC21B c.2054C>T variant is predicted to result in the amino acid substitution p.Pro685Leu. To our knowledge, this variant has not been reported in the literature. This variant is reported in 0.020% of alleles in individuals of African descent in gnomAD. At this time, the clinical significance of this variant is uncertain due to the absence of conclusive functional and genetic evidence.

Labcorp Genetics (formerly Invitae), Labcorp
Classification: Likely benign for Jeune thoracic dystrophy; Nephronophthisis. Last evaluated: 2025-07-31. Review status: criteria provided, single submitter. Criteria: Invitae Variant Classification Sherloc (09022015). Collection method: clinical testing. Allele origin: germline.